The following is an entry in ClinVar:

NM_133379.5(TTN):c.16264C>G (p.Pro5422Ala)

Gene: TTN (titin; minus strand). Cytogenetic location: 2q31.2.
Variant type: single nucleotide variant.
Coding change: c.16264C>G on transcript NM_133379.5 (MANE Plus Clinical); coding-DNA position 16264, C replaced by G.
Protein change: p.Pro5422Ala; replaces proline 5422 with alanine.
Molecular consequence: missense variant. On other transcripts: intron variant (6).
Genome position (GRCh38, 1-based): chr2:178,746,136, G>C on the plus strand (C>G on the coding strand, the complement: TTN is on the minus strand). VCF-style: chr2-178746136-G-C. GRCh37 (hg19) VCF-style: chr2-179610863-G-C.
Other names: c.10223-4215C>G (NM_003319.4); c.10799-4215C>G (NM_133437.4); c.10598-4215C>G (NM_133432.3); c.10360+6988C>G (NM_133378.4); c.10361-4215C>G (NM_001256850.1); c.11312-4215C>G (NM_001267550.2); short protein forms P5422A.
Identifiers: ClinVar variation 47798 (VCV000047798.5), dbSNP rs397517820, ClinGen allele CA141925.

ClinVar aggregate classification (germline): Uncertain significance (1 of 4 stars; one submission).

gnomAD v4.1: 1 of 1,613,348 alleles (0.000062%); highest among the groups gnomAD compares: Non-Finnish European, 0.000085%; no homozygotes.

Submission:

Laboratory for Molecular Medicine, Mass General Brigham Personalized Medicine
Classification: Uncertain significance. Last evaluated: 2011-11-23. Review status: criteria provided, single submitter. Criteria: LMM Criteria. Collection method: clinical testing. Allele origin: germline. Observed: 1 variant allele.
Comment: Evolutionary conservation data and com putational predictions are not available for this variant and the clinical signi ficance cannot be determined at this time.